The following is an entry in ClinVar:

NM_032122.5(DTNBP1):c.840G>T (p.Glu280Asp)

Gene: DTNBP1 (dystrobrevin binding protein 1; minus strand). Cytogenetic location: 6p22.3.
Variant type: single nucleotide variant.
Coding change: c.840G>T on transcript NM_032122.5 (MANE Select); coding-DNA position 840, G replaced by T.
Protein change: p.Glu280Asp; replaces glutamic acid 280 with aspartic acid.
Molecular consequence: missense variant.
Genome position (GRCh38, 1-based): chr6:15,523,191, C>A on the plus strand (G>T on the coding strand, the complement: DTNBP1 is on the minus strand). VCF-style: chr6-15523191-C-A. GRCh37 (hg19) VCF-style: chr6-15523422-C-A.
Other names: c.597G>T, p.Glu199Asp (NM_001271667.2, NM_183041.1); c.789G>T, p.Glu263Asp (NM_001271668.2); c.735G>T, p.Glu245Asp (NM_001271669.2); short protein forms E199D, E263D, E280D, E245D.
Identifiers: ClinVar variation 2050410 (VCV002050410.3), dbSNP rs780343075, ClinGen allele CA3643716.

ClinVar aggregate classification (germline): Uncertain significance. Review status: criteria provided, multiple submitters, no conflicts (2 of 4 stars). 2 submissions from 2 submitters: Uncertain significance (2). Last evaluated 2025-08-14.

Conditions:
Inborn genetic diseases. Identifiers: MedGen C0950123, MeSH D030342.

Allele frequency attached by ClinVar (database versions not stated): ExAC 0.00012; TOPMed 0.00013; gnomAD 0.00016; gnomAD exomes 0.00036.
gnomAD v4.1: 554 of 1,614,082 alleles (0.034%); highest among the groups gnomAD compares: Non-Finnish European, 0.044%; no homozygotes.

Submissions (3):

Ambry Genetics
Classification: Uncertain significance for Inborn genetic diseases. Last evaluated: 2025-08-14. Review status: criteria provided, single submitter. Criteria: Ambry Variant Classification Scheme 2023. Collection method: clinical testing. Allele origin: germline.

Labcorp Genetics (formerly Invitae), Labcorp
Classification: Uncertain significance. Last evaluated: 2022-06-05. Review status: criteria provided, single submitter. Criteria: Invitae Variant Classification Sherloc (09022015). Collection method: clinical testing. Allele origin: germline.
Comment: This sequence change replaces glutamic acid, which is acidic and polar, with aspartic acid, which is acidic and polar, at codon 280 of the DTNBP1 protein (p.Glu280Asp). This variant is present in population databases (rs780343075, gnomAD 0.02%). This variant has not been reported in the literature in individuals affected with DTNBP1-related conditions. Algorithms developed to predict the effect of missense changes on protein structure and function output the following: SIFT: "Deleterious"; PolyPhen-2: "Benign"; Align-GVGD: "Class C35". The aspartic acid amino acid residue is found in multiple mammalian species, which suggests that this missense change does not adversely affect protein function. In summary, the available evidence is currently insufficient to determine the role of this variant in disease. Therefore, it has been classified as a Variant of Uncertain Significance.

Dr. Peter K. Rogan Lab, Western University
No classification provided (evidence only). Condition: Melanoma. Review status: no classification provided. Collection method: in vitro. Allele origin: not applicable. Functional consequence: retained intron. Not counted in ClinVar's aggregate classification.